The following is an entry in ClinVar:

ClinVar aggregate classification (germline): Likely benign (1 of 4 stars; one submission).

Allele frequency attached by ClinVar (database versions not stated): ExAC 0.00002; gnomAD exomes 0.00001; gnomAD 0.00003; TOPMed 0.00003.
gnomAD v4.1: 20 of 1,569,502 alleles (0.0013%); highest among the groups gnomAD compares: East Asian, 0.014%; no homozygotes.

Submission:

GeneDx
Classification: Likely benign. Last evaluated: 2017-11-17. Review status: criteria provided, single submitter. Criteria: GeneDx Variant Classification (06012015). Collection method: clinical testing. Allele origin: germline. Affected: yes.
Comment: This variant is considered likely benign or benign based on one or more of the following criteria: it is a conservative change, it occurs at a poorly conserved position in the protein, it is predicted to be benign by multiple in silico algorithms, and/or has population frequency not consistent with disease.

NM_003238.6(TGFB2):c.-16T>C

Gene: TGFB2 (transforming growth factor beta 2; plus strand). Cytogenetic location: 1q41.
Variant type: single nucleotide variant.
Coding change: c.-16T>C on transcript NM_003238.6 (MANE Select); 16 bases upstream of the start codon, T replaced by C.
Molecular consequence: 5 prime UTR variant. On other transcripts: non-coding transcript variant (2).
Genome position (GRCh38, 1-based): chr1:218,346,686, T>C. VCF-style: chr1-218346686-T-C. GRCh37 (hg19) VCF-style: chr1-218520028-T-C.
Other names: c.-16T>C (NM_001135599.4).
Identifiers: ClinVar variation 513421 (VCV000513421.1), dbSNP rs779785854, ClinGen allele CA1398353.